The following is an entry in ClinVar:

NM_000500.9(CYP21A2):c.242C>T (p.Ala81Val)

Genes: CYP21A2 (cytochrome P450 family 21 subfamily A member 2; plus strand), LOC106780800 (CYP21A2 recombination region; plus strand). Cytogenetic location: 6p21.33.
Variant type: single nucleotide variant.
Coding change: c.242C>T on transcript NM_000500.9 (MANE Select); coding-DNA position 242, C replaced by T.
Protein change: p.Ala81Val; replaces alanine 81 with valine.
Molecular consequence: missense variant. On other transcripts: 5 prime UTR variant (1), intron variant (2).
Genome position (GRCh38, 1-based): chr6:32,038,761, C>T. VCF-style: chr6-32038761-C-T. GRCh37 (hg19) VCF-style: chr6-32006538-C-T.
Other names: c.-183C>T (NM_001368143.2); c.-133+137C>T (NM_001368144.2); c.202+137C>T (NM_001128590.4); short protein forms A81V.
Identifiers: ClinVar variation 3572104 (VCV003572104.1).

ClinVar aggregate classification (germline): Uncertain significance (1 of 4 stars; one submission).

gnomAD v4.1: 5 of 1,402,272 alleles (0.00036%); highest among the groups gnomAD compares: Non-Finnish European, 0.0005%; no homozygotes.

Submission:

Quest Diagnostics Nichols Institute San Juan Capistrano
Classification: Uncertain significance. Last evaluated: 2024-11-18. Review status: criteria provided, single submitter. Criteria: Quest Diagnostics criteria. Collection method: clinical testing. Allele origin: unknown.
Comment: The CYP21A2 c.242C>T (p.Ala81Val) variant has not been reported in individuals with CYP21A2-related conditions in the published literature. The frequency of this variant in the general population, 0.0000055 (1/181086 chromosomes (Genome Aggregation Database)), is uninformative in the assessment of its pathogenicity. Analysis of this variant using bioinformatics tools for the prediction of the effect of amino acid changes on protein structure and function yielded predictions that this variant is damaging. Based on the available information, we are unable to determine the clinical significance of this variant.